The following is an entry in ClinVar:

NM_014336.5(AIPL1):c.737A>C (p.Tyr246Ser)

Gene: AIPL1 (AIP like 1 HSP90 co-chaperone; minus strand). Cytogenetic location: 17p13.2.
Variant type: single nucleotide variant.
Coding change: c.737A>C on transcript NM_014336.5 (MANE Select); coding-DNA position 737, A replaced by C.
Protein change: p.Tyr246Ser; replaces tyrosine 246 with serine.
Molecular consequence: missense variant.
Genome position (GRCh38, 1-based): chr17:6,426,662, T>G on the plus strand (A>C on the coding strand, the complement: AIPL1 is on the minus strand). VCF-style: chr17-6426662-T-G. GRCh37 (hg19) VCF-style: chr17-6329982-T-G.
Other names: c.548A>C, p.Tyr183Ser (NM_001033054.3); c.557A>C, p.Tyr186Ser (NM_001033055.3); c.701A>C, p.Tyr234Ser (NM_001285399.3); c.671A>C, p.Tyr224Ser (NM_001285400.3); c.665A>C, p.Tyr222Ser (NM_001285401.3); c.620A>C, p.Tyr207Ser (NM_001285402.2); c.713A>C, p.Tyr238Ser (NM_001285403.4); short protein forms Y246S, Y186S, Y224S, Y234S, Y238S, Y207S, Y222S, Y183S.
Identifiers: ClinVar variation 324614 (VCV000324614.44), dbSNP rs138585919, ClinGen allele CA8328414.
Genomic context (GRCh38, chr17:6,426,662, plus strand): 5'-CAGCCCCGCGCACCTGGGTGGTGCCGGAGAATATCACTGGTGTGCTCCAGCACCTCATAG[T>G]ACTCCTCCTTCTTCAGCAGGCACTGGCAGTAGTTGAGGATCAGAGTATTGATCATCTTCT-3'
Protein context (NP_055151.3, residues 236-256): YCQCLLKKEE[Tyr246Ser]YEVLEHTSDI

ClinVar aggregate classification (germline): Conflicting classifications of pathogenicity. Review status: criteria provided, conflicting classifications (1 of 4 stars). 7 submissions from 6 submitters: Uncertain significance (4); Likely benign (3). Last evaluated 2026-01-05.

Conditions:
Leber congenital amaurosis 4 (LCA4). Identifiers: MedGen C1858386, MONDO:0011458, OMIM 604393.
AIPL1-related disorder. Also called: AIPL1-related disorders; AIPL1-related condition. Identifiers: MedGen CN239169.
Retinitis pigmentosa (RP). Identifiers: Orphanet 791, MedGen C0035334, MeSH D012174, MONDO:0019200, OMIM 268000. Inheritance: Autosomal dominant, autosomal recessive and X linked inheritance.

Allele frequency attached by ClinVar (database versions not stated): gnomAD exomes 0.00017 and 0.00022; TOPMed 0.00018; gnomAD 0.00021; ExAC 0.00023; ESP Exome Variant Server 0.00023.
gnomAD v4.1: 286 of 1,614,074 alleles (0.018%); highest among the groups gnomAD compares: Non-Finnish European, 0.014%; no homozygotes.

Submissions (7):

Labcorp Genetics (formerly Invitae), Labcorp
Classification: Likely benign for Leber congenital amaurosis 4. Last evaluated: 2026-01-05. Review status: criteria provided, single submitter. Criteria: Invitae Variant Classification Sherloc (09022015). Collection method: clinical testing. Allele origin: germline.

PreventionGenetics, part of Exact Sciences
Classification: Likely benign for AIPL1-related condition. Last evaluated: 2025-11-26. Review status: criteria provided, single submitter. Criteria: ACMG Guidelines, 2015. Collection method: clinical testing. Allele origin: germline.
Comment: This variant is classified as likely benign based on ACMG/AMP sequence variant interpretation guidelines (Richards et al. 2015 PMID: 25741868, with internal and published modifications).

Blueprint Genetics
Classification: Likely benign. Last evaluated: 2024-06-18. Review status: criteria provided, single submitter. Criteria: ACMG Guidelines, 2015. Collection method: clinical testing. Allele origin: germline.

CeGaT Center for Human Genetics Tuebingen
Classification: Uncertain significance. Last evaluated: 2024-02-01. Review status: criteria provided, single submitter. Criteria: CeGaT Center For Human Genetics Tuebingen Variant Classification Criteria Version 2. Collection method: clinical testing. Allele origin: germline. Affected: yes. Observed: 2 variant alleles.
Comment: AIPL1: PM2

Revvity Omics, Revvity
Classification: Uncertain significance for Leber congenital amaurosis 4. Last evaluated: 2024-01-12. Review status: criteria provided, single submitter. Criteria: ACMG Guidelines, 2015. Collection method: clinical testing. Allele origin: germline.

Illumina Laboratory Services, Illumina
Classification: Uncertain significance for Leber congenital amaurosis 4. Last evaluated: 2018-01-13. Review status: criteria provided, single submitter. Criteria: ICSL Variant Classification Criteria 13 December 2019. Collection method: clinical testing. Allele origin: germline.

Illumina Laboratory Services, Illumina
Classification: Uncertain significance for Retinitis pigmentosa. Last evaluated: 2018-01-13. Review status: criteria provided, single submitter. Criteria: ICSL Variant Classification Criteria 13 December 2019. Collection method: clinical testing. Allele origin: germline.